The following is an entry in ClinVar:

NM_000026.4(ADSL):c.403-4G>A

Gene: ADSL (adenylosuccinate lyase; plus strand). Cytogenetic location: 22q13.1.
Variant type: single nucleotide variant.
Coding change: c.403-4G>A on transcript NM_000026.4 (MANE Select); 4 bases into the intron before coding-DNA position 403, G replaced by A.
Molecular consequence: intron variant.
Genome position (GRCh38, 1-based): chr22:40,354,244, G>A. VCF-style: chr22-40354244-G-A. GRCh37 (hg19) VCF-style: chr22-40750248-G-A.
Other names: c.403-4G>A (NM_001363840.3, NM_001123378.3); c.211-4G>A (NM_001317923.2).
Identifiers: ClinVar variation 236554 (VCV000236554.19), dbSNP rs373652667, ClinGen allele CA10247715.

ClinVar aggregate classification (germline): Conflicting classifications of pathogenicity. Review status: criteria provided, conflicting classifications (1 of 4 stars). 6 submissions from 6 submitters: Uncertain significance (2); Benign (2); Likely benign (2). Last evaluated 2026-01-24.

Conditions:
Adenylosuccinate lyase deficiency (ADSLD). Also called: ADSL DEFICIENCY. Identifiers: Orphanet 46, MedGen C0268126, MONDO:0007068, OMIM 103050.

Allele frequency attached by ClinVar (database versions not stated): TOPMed 0.00023; ESP Exome Variant Server 0.00031; ExAC 0.00040; gnomAD exomes 0.00046; gnomAD 0.00059 and 0.00064.
gnomAD v4.1: 914 of 1,613,714 alleles (0.057%); highest among the groups gnomAD compares: Non-Finnish European, 0.055%; 2 homozygotes.

Submissions (6):

Labcorp Genetics (formerly Invitae), Labcorp
Classification: Benign for Adenylosuccinate lyase deficiency. Last evaluated: 2026-01-24. Review status: criteria provided, single submitter. Criteria: Invitae Variant Classification Sherloc (09022015). Collection method: clinical testing. Allele origin: germline.

Blueprint Genetics
Classification: Likely benign. Last evaluated: 2024-11-07. Review status: criteria provided, single submitter. Criteria: ACMG Guidelines, 2015. Collection method: clinical testing. Allele origin: germline.

Athena Diagnostics
Classification: Likely benign. Last evaluated: 2018-03-08. Review status: criteria provided, single submitter. Criteria: Athena Diagnostics Criteria. Collection method: clinical testing. Allele origin: germline.

Illumina Laboratory Services, Illumina
Classification: Uncertain significance for Adenylosuccinate lyase deficiency. Last evaluated: 2018-01-12. Review status: criteria provided, single submitter. Criteria: ICSL Variant Classification Criteria 13 December 2019. Collection method: clinical testing. Allele origin: germline.

Baylor Genetics
Classification: Uncertain significance for Adenylosuccinate lyase deficiency. Last evaluated: 2017-09-01. Review status: criteria provided, single submitter. Criteria: ACMG Guidelines, 2015. Collection method: clinical testing. Allele origin: paternal. Inheritance: Autosomal recessive inheritance. Affected: yes.
Comment: Heterozygotes are expected to be asymptomatic carriers.

GeneDx
Classification: Benign. Last evaluated: 2015-07-06. Review status: criteria provided, single submitter. Criteria: GeneDx Variant Classification (06012015). Collection method: clinical testing. Allele origin: germline. Affected: yes.
Comment: This variant is considered likely benign or benign based on one or more of the following criteria: it is a conservative change, it occurs at a poorly conserved position in the protein, it is predicted to be benign by multiple in silico algorithms, and/or has population frequency not consistent with disease.

Literature cited by the submitters: PubMed 25326635 (cited by Baylor Genetics).